The following is an entry in ClinVar:

ClinVar aggregate classification (germline): Uncertain significance (1 of 4 stars; one submission).

Conditions:
Dilated cardiomyopathy 1AA (CMD1AA). Also called: Cardiomyopathy, dilated, 1AA, with or without LVNC; CARDIOMYOPATHY, DILATED, 1AA, WITH OR WITHOUT LEFT VENTRICULAR NONCOMPACTION; CARDIOMYOPATHY, FAMILIAL HYPERTROPHIC, 23, WITH OR WITHOUT LEFT VENTRICULAR NONCOMPACTION. Identifiers: Orphanet 154, MedGen C2677338, MONDO:0012808, OMIM 612158.
Primary familial hypertrophic cardiomyopathy (HCM). Identifiers: Orphanet 99739, MedGen C0949658, MeSH D024741, MONDO:0024573. Inheritance: Various modes of inheritance.

Submission:

Labcorp Genetics (formerly Invitae), Labcorp
Classification: Uncertain significance for Primary familial hypertrophic cardiomyopathy; Dilated cardiomyopathy 1AA. Last evaluated: 2023-09-17. Review status: criteria provided, single submitter. Criteria: Invitae Variant Classification Sherloc (09022015). Collection method: clinical testing. Allele origin: germline.
Comment: This variant has not been reported in the literature in individuals affected with ACTN2-related conditions. This variant is not present in population databases (gnomAD no frequency). This sequence change affects an acceptor splice site in intron 5 of the ACTN2 gene. It is expected to disrupt RNA splicing. Variants that disrupt the donor or acceptor splice site typically lead to a loss of protein function (PMID: 16199547), however the current clinical and genetic evidence is not sufficient to establish whether loss-of-function variants in ACTN2 cause disease. In summary, the available evidence is currently insufficient to determine the role of this variant in disease. Therefore, it has been classified as a Variant of Uncertain Significance. ClinVar contains an entry for this variant (Variation ID: 664820).

Literature cited by the submitters: PubMed 16199547.

NM_001103.4(ACTN2):c.537-1G>A

Gene: ACTN2 (actinin alpha 2; plus strand). Cytogenetic location: 1q43.
Variant type: single nucleotide variant.
Coding change: c.537-1G>A on transcript NM_001103.4 (MANE Select); the canonical splice acceptor site of the intron before coding-DNA position 537, G replaced by A.
Molecular consequence: splice acceptor variant.
Genome position (GRCh38, 1-based): chr1:236,727,677, G>A. VCF-style: chr1-236727677-G-A. GRCh37 (hg19) VCF-style: chr1-236890977-G-A.
Other names: c.537-1G>A (NM_001278343.2).
Identifiers: ClinVar variation 664820 (VCV000664820.9), dbSNP rs1572121782, ClinGen allele CA345375323.